The following is an entry in ClinVar:

ClinVar aggregate classification (germline): Benign (1 of 4 stars; one submission).

Submission:

GeneDx
Classification: Benign. Last evaluated: 2018-06-16. Review status: criteria provided, single submitter. Criteria: GeneDx Variant Classification (06012015). Collection method: clinical testing. Allele origin: germline. Affected: yes.
Comment: This variant is considered likely benign or benign based on one or more of the following criteria: it is a conservative change, it occurs at a poorly conserved position in the protein, it is predicted to be benign by multiple in silico algorithms, and/or has population frequency not consistent with disease.

NM_001848.3(COL6A1):c.1399-272_1399-210del

Gene: COL6A1 (collagen type VI alpha 1 chain; plus strand). Cytogenetic location: 21q22.3.
Variant type: Deletion.
Coding change: c.1399-272_1399-210del on transcript NM_001848.3 (MANE Select); 272 bases into the intron before coding-DNA position 1399 through 210 bases into the intron before coding-DNA position 1399, 63 bases deleted.
Molecular consequence: intron variant.
Genome position (GRCh38, 1-based): chr21:45,997,149-45,997,211, 63 bases deleted. GRCh37 (hg19): chr21:47,417,063-47,417,125.
Other names: c.1399-283_1399-221del63 (NM_001848.2).
Identifiers: ClinVar variation 671124 (VCV000671124.1), dbSNP rs1569518630, ClinGen allele CA638180558.